The following is an entry in ClinVar:

ClinVar aggregate classification (germline): Uncertain significance. Review status: criteria provided, multiple submitters, no conflicts (2 of 4 stars). 2 submissions from 2 submitters: Uncertain significance (2). Last evaluated 2025-07-01.

Conditions:
DNMT3A-related disorder. Also called: DNMT3A-related condition; DNMT3A-related disorders.
Tatton-Brown-Rahman overgrowth syndrome. Also called: Tall stature-intellectual disability-facial dysmorphism syndrome; Tatton-Brown-Rahman syndrome. Identifiers: Orphanet 404443, MedGen C4014545, MONDO:0014382, OMIM 615879.

Allele frequency attached by ClinVar (database versions not stated): TOPMed below 0.00001; gnomAD 0.00001; gnomAD exomes 0.00001.
gnomAD v4.1: 10 of 1,549,988 alleles (0.00065%); highest among the groups gnomAD compares: Admixed American, 0.0039%; no homozygotes.

Submissions (2):

PreventionGenetics, part of Exact Sciences
Classification: Uncertain significance for DNMT3A-related condition. Last evaluated: 2025-07-01. Review status: criteria provided, single submitter. Criteria: ACMG Guidelines, 2015. Collection method: clinical testing. Allele origin: germline.
Comment: The DNMT3A c.50C>T variant is predicted to result in the amino acid substitution p.Ala17Val. To our knowledge, this variant has not been reported in the literature. This variant is reported in 0.0041% of alleles in individuals of Latino descent in gnomAD. At this time, the clinical significance of this variant is uncertain due to the absence of conclusive functional and genetic evidence.

Labcorp Genetics (formerly Invitae), Labcorp
Classification: Uncertain significance for Tatton-Brown-Rahman overgrowth syndrome. Last evaluated: 2022-11-22. Review status: criteria provided, single submitter. Criteria: Invitae Variant Classification Sherloc (09022015). Collection method: clinical testing. Allele origin: germline.
Comment: Algorithms developed to predict the effect of missense changes on protein structure and function output the following: SIFT: "Tolerated"; PolyPhen-2: "Benign"; Align-GVGD: "Class C0". The valine amino acid residue is found in multiple mammalian species, which suggests that this missense change does not adversely affect protein function. In summary, the available evidence is currently insufficient to determine the role of this variant in disease. Therefore, it has been classified as a Variant of Uncertain Significance. This variant has not been reported in the literature in individuals affected with DNMT3A-related conditions. The frequency data for this variant in the population databases is considered unreliable, as metrics indicate poor data quality at this position in the gnomAD database. This sequence change replaces alanine, which is neutral and non-polar, with valine, which is neutral and non-polar, at codon 17 of the DNMT3A protein (p.Ala17Val).

NM_022552.5(DNMT3A):c.50C>T (p.Ala17Val)

Gene: DNMT3A (DNA methyltransferase 3 alpha; minus strand). Cytogenetic location: 2p23.3.
Variant type: single nucleotide variant.
Coding change: c.50C>T on transcript NM_022552.5 (MANE Select); coding-DNA position 50, C replaced by T.
Protein change: p.Ala17Val; replaces alanine 17 with valine.
Molecular consequence: missense variant. On other transcripts: non-coding transcript variant (1).
Genome position (GRCh38, 1-based): chr2:25,313,935, G>A on the plus strand (C>T on the coding strand, the complement: DNMT3A is on the minus strand). VCF-style: chr2-25313935-G-A. GRCh37 (hg19) VCF-style: chr2-25536804-G-A.
Other names: c.50C>T, p.Ala17Val (NM_001320892.2, NM_175629.2, NM_175630.1); short protein forms A17V.
Identifiers: ClinVar variation 2174489 (VCV002174489.5), dbSNP rs1299885148, ClinGen allele CA346254365.